The following is an entry in ClinVar:

NM_004628.5(XPC):c.1420C>T (p.Gln474Ter)

Gene: XPC (XPC complex subunit, DNA damage recognition and repair factor; minus strand). Cytogenetic location: 3p25.1.
Variant type: single nucleotide variant.
Coding change: c.1420C>T on transcript NM_004628.5 (MANE Select); coding-DNA position 1420, C replaced by T.
Protein change: p.Gln474Ter; replaces glutamine 474 with a stop codon.
Molecular consequence: nonsense. On other transcripts: non-coding transcript variant (2).
Genome position (GRCh38, 1-based): chr3:14,158,463, G>A on the plus strand (C>T on the coding strand, the complement: XPC is on the minus strand). VCF-style: chr3-14158463-G-A. GRCh37 (hg19) VCF-style: chr3-14199963-G-A.
Other names: c.841C>T, p.Gln281Ter (NM_001354726.2); c.1420C>T, p.Gln474Ter (NM_001354727.2, NM_001354730.2); c.1402C>T, p.Gln468Ter (NM_001354729.2); short protein forms Q281*, Q468*, Q474*.
Identifiers: ClinVar variation 2679654 (VCV002679654.5), dbSNP rs776865296, ClinGen allele CA2267437.
Genomic context (GRCh38, chr3:14,158,463, plus strand): 5'-CCTTACGATGGCTCCCACGATGGGTCCTGGAGGCACTCTTGGACCCAGCCTTTGTCCTCT[G>A]AGGAGCGGGGGCTTTCCTCTGCTTTGGAGGGCCAGGTTCGGAATCCTCATCAGAGGGATC-3'

ClinVar aggregate classification (germline): Pathogenic/Likely pathogenic. Review status: criteria provided, multiple submitters, no conflicts (2 of 4 stars). 3 submissions from 3 submitters: Pathogenic (1); Likely pathogenic (2). Last evaluated 2024-03-06.

Conditions:
Xeroderma pigmentosum, group C (XPC). Also called: XPC-Related Xeroderma Pigmentosum; Xeroderma pigmentosum, complementation group C; XERODERMA PIGMENTOSUM III; XP, GROUP C. Identifiers: Orphanet 910, MedGen C2752147, MONDO:0010211, OMIM 278720.

Allele frequency attached by ClinVar (database versions not stated): gnomAD exomes 0.00001; ExAC 0.00002.

Submissions (3):

Fulgent Genetics
Classification: Likely pathogenic for Xeroderma pigmentosum, group C. Last evaluated: 2024-03-06. Review status: criteria provided, single submitter. Criteria: ACMG Guidelines, 2015. Collection method: clinical testing. Allele origin: germline.

Labcorp Genetics (formerly Invitae), Labcorp
Classification: Pathogenic. Last evaluated: 2023-03-08. Review status: criteria provided, single submitter. Criteria: Invitae Variant Classification Sherloc (09022015). Collection method: clinical testing. Allele origin: germline.
Comment: This sequence change creates a premature translational stop signal (p.Gln474*) in the XPC gene. It is expected to result in an absent or disrupted protein product. Loss-of-function variants in XPC are known to be pathogenic (PMID: 23173980, 25256075). This variant is present in population databases (rs776865296, gnomAD 0.01%). This variant has not been reported in the literature in individuals affected with XPC-related conditions. For these reasons, this variant has been classified as Pathogenic.

Baylor Genetics
Classification: Likely pathogenic for Xeroderma pigmentosum, group C. Last evaluated: 2022-03-30. Review status: criteria provided, single submitter. Criteria: ACMG Guidelines, 2015. Collection method: clinical testing. Allele origin: unknown.

Literature cited by the submitters: PubMed 23173980 (cited by Labcorp Genetics (formerly Invitae), Labcorp); PubMed 25256075 (cited by Labcorp Genetics (formerly Invitae), Labcorp).